The following is an entry in ClinVar:

ClinVar aggregate classification (germline): Pathogenic/Likely pathogenic. Review status: criteria provided, multiple submitters, no conflicts (2 of 4 stars). 11 submissions from 11 submitters: Pathogenic (6); Likely pathogenic (1). 4 of the submissions do not count toward it. Last evaluated 2026-05-20.

Conditions:
MSH6-related disorder. Also called: MSH6-Related disorders; MSH6-related condition.
Hereditary nonpolyposis colorectal neoplasms. Identifiers: MedGen C0009405, MeSH D003123.
Hereditary cancer-predisposing syndrome. Also called: Tumor predisposition; Hereditary neoplastic syndrome; Neoplastic Syndromes, Hereditary; Hereditary Cancer Syndrome. Identifiers: Orphanet 140162, MedGen C0027672, MeSH D009386, MONDO:0015356.
Lynch-like syndrome.
Lynch syndrome 5 (LYNCH5). Also called: Hereditary non-polyposis colorectal cancer, type 5; Colorectal cancer, hereditary nonpolyposis, type 5. Identifiers: Orphanet 144, MedGen C1833477, MONDO:0013710, OMIM 614350. Disease mechanism: loss of function.
Inherited MMR deficiency (Lynch syndrome).
Endometrial carcinoma. Also called: Endometrial carcinoma, somatic. Identifiers: MedGen C0476089, MONDO:0002447, OMIM 608089, HP:0012114.

Submissions (11):

Genetics Laboratory, Great Ormond Street Hospital NHS Foundation Trust, North Thames Genomic Laboratory Hub
Classification: Pathogenic for Inherited MMR deficiency (Lynch syndrome). Last evaluated: 2026-05-20. Review status: criteria provided, single submitter. Criteria: CanVIG MMR Gene Specific V1.7. Collection method: clinical testing. Allele origin: germline. Affected: yes.
Comment: PM2_supporting, PVS1_very-strong, PP4_supporting

Labcorp Genetics (formerly Invitae), Labcorp
Classification: Pathogenic for Hereditary nonpolyposis colorectal neoplasms. Last evaluated: 2026-01-06. Review status: criteria provided, single submitter. Criteria: Invitae Variant Classification Sherloc (09022015). Collection method: clinical testing. Allele origin: germline.
Comment: This sequence change creates a premature translational stop signal (p.Leu893Alafs*6) in the MSH6 gene. It is expected to result in an absent or disrupted protein product. Loss-of-function variants in MSH6 are known to be pathogenic (PMID: 18269114, 24362816). This variant is not present in population databases (gnomAD no frequency). This variant has not been reported in the literature in individuals affected with MSH6-related conditions. ClinVar contains an entry for this variant (Variation ID: 821660). For these reasons, this variant has been classified as Pathogenic.

Ambry Genetics
Classification: Pathogenic for Hereditary cancer-predisposing syndrome. Last evaluated: 2025-02-20. Review status: criteria provided, single submitter. Criteria: Ambry Variant Classification Scheme 2023. Collection method: clinical testing. Allele origin: germline.
Comment: The c.2677_2678delCT (p.L893Afs*6) alteration, located in exon 4 (coding exon 4) of the MSH6 gene, consists of a deletion of 2 nucleotides from position 2677 to 2678, causing a translational frameshift with a predicted alternate stop codon after 6 amino acids. This alteration is expected to result in loss of function by premature protein truncation or nonsense-mediated mRNA decay. This variant was not reported in population-based cohorts in the Genome Aggregation Database (gnomAD). This mutation has been identified in a patient with endometrial cancer whose tumor was microsatellite stable with intact immunohistochemical (IHC) staining (Rubio, 2016), and in a patient with colorectal cancer whose tumor was microsatellite-low with absent MSH6 staining by IHC, who had a family history of Lynch syndrome-related cancers (Vilar, 2014). Based on the available evidence, this alteration is classified as pathogenic.

CeGaT Center for Human Genetics Tuebingen
Classification: Pathogenic. Last evaluated: 2024-11-01. Review status: criteria provided, single submitter. Criteria: CeGaT Center For Human Genetics Tuebingen Variant Classification Criteria Version 2. Collection method: clinical testing. Allele origin: germline. Affected: yes. Observed: 1 variant allele.
Comment: MSH6: PVS1, PM2, PS4:Supporting

Myriad Genetics, Inc.
Classification: Pathogenic for Lynch syndrome 5. Last evaluated: 2023-08-17. Review status: criteria provided, single submitter. Criteria: Myriad Autosomal Dominant, Autosomal Recessive and X-Linked Classification Criteria (2023). Collection method: clinical testing. Allele origin: unknown.
Comment: This variant is considered pathogenic. This variant creates a frameshift predicted to result in premature protein truncation.

Institute for Clinical Genetics, University Hospital TU Dresden, University Hospital TU Dresden
Classification: Likely pathogenic. Last evaluated: 2023-01-25. Review status: criteria provided, single submitter. Criteria: ACMG Guidelines, 2015. Collection method: clinical testing. Allele origin: germline.
Comment: PVS1, PM2_SUP

Color Diagnostics, LLC DBA Color Health
Classification: Pathogenic for Hereditary cancer-predisposing syndrome. Last evaluated: 2020-02-10. Review status: criteria provided, single submitter. Criteria: ACMG Guidelines, 2015. Collection method: clinical testing. Allele origin: germline.
Comment: This variant deletes 2 nucleotides in exon 4 of the MSH6 gene, creating a frameshift and premature translation stop signal. This variant is expected to result in an absent or non-functional protein product. To our knowledge, this variant has not been reported in individuals affected with hereditary cancer in the literature. This variant has not been identified in the general population by the Genome Aggregation Database (gnomAD). Loss of MSH6 function is a known mechanism of disease. Based on the available evidence, this variant is classified as Pathogenic.

PreventionGenetics, part of Exact Sciences
Classification: Pathogenic for MSH6-related condition. Last evaluated: 2024-08-15. Review status: no assertion criteria provided. Collection method: clinical testing. Allele origin: germline. Not counted in ClinVar's aggregate classification.
Comment: The MSH6 c.2677_2678delCT variant is predicted to result in a frameshift and premature protein termination (p.Leu893Alafs*6). This variant was reported in individuals with breast, endometrial, and colorectal cancer (Supplementary Table 4. Hata et al. 2020. PubMed ID: 32029870; Table 3. Rubio et al. 2016. PubMed ID: 27398995; Table 4. Vilar et al. 2014. PubMed ID: 25432668). This variant has not been reported in a large population database, indicating this variant is rare. This variant has classifications listed in ClinVar ranging from likely pathogenic to pathogenic. Frameshift variants in MSH6 are expected to be pathogenic. This variant is interpreted as pathogenic.

CZECANCA consortium
Classification: Pathogenic for Endometrial carcinoma. Last evaluated: 2023-02-21. Review status: no assertion criteria provided. Collection method: clinical testing. Allele origin: germline. Affected: yes. Observed: 1 variant allele. Not counted in ClinVar's aggregate classification.

Constitutional Genetics Lab, Leon Berard Cancer Center
Classification: Pathogenic for Lynch-like syndrome. Last evaluated: 2019-07-01. Review status: no assertion criteria provided. Collection method: clinical testing. Allele origin: somatic. Affected: yes. Not counted in ClinVar's aggregate classification.

Department of Pathology and Laboratory Medicine, Sinai Health System
Classification: Pathogenic. Review status: no assertion criteria provided. Collection method: clinical testing. Allele origin: unknown. Affected: yes. Observed: 1 variant allele. Study: The Canadian Open Genetics Repository (COGR). Not counted in ClinVar's aggregate classification.
Comment: The MSH6 p.Leu893Alafs*6 variant was identified in 1 of 142 proband chromosomes (frequency: 0.007) from an individual with Lynch syndrome and a family history of ovarian, breast, and prostate cancer (Vilar 2014). The variant was also identified in UMD-LSDB (1x as causal). The variant was not identified in dbSNP, ClinVar, the Exome Aggregation Consortium (August 8th 2016) or the Genome Aggregation Database (Feb 27, 2017). The c.2677_2678del variant is predicted to cause a frameshift, which alters the protein's amino acid sequence beginning at codon 893 and leads to a premature stop codon at position 898. This alteration is then predicted to result in a truncated or absent protein and loss of function. Loss of function variants of the MSH6 gene are an established mechanism of disease in Lynch syndrome and is the type of variant expected to cause the disorder. In summary, based on the above information, this variant meets our laboratoryâ€šÃ„Ã´s criteria to be classified as pathogenic.

Literature cited by the submitters: PubMed 18269114 (cited by Labcorp Genetics (formerly Invitae), Labcorp); PubMed 24362816 (cited by Labcorp Genetics (formerly Invitae), Labcorp); PubMed 25432668 (cited by Ambry Genetics); PubMed 27398995 (cited by Ambry Genetics).

NM_000179.3(MSH6):c.2677_2678del (p.Leu893fs)

Gene: MSH6 (mutS homolog 6; plus strand). Cytogenetic location: 2p16.3.
Variant type: Microsatellite.
Coding change: c.2677_2678del on transcript NM_000179.3 (MANE Select); coding-DNA positions 2677 to 2678, 2 bases deleted (CT; older notation c.2677_2678delCT).
Protein change: p.Leu893fs; shifts the reading frame from leucine 893.
Molecular consequence: frameshift variant.
Genome position (GRCh38, 1-based): chr2:47,800,660-47,800,661, CT deleted; deleting any 2 consecutive bases within chr2:47,800,655-47,800,661 gives the same sequence; the c. name uses the placement nearest the transcript's 3' end. VCF-style (leftmost placement, unchanged base first): chr2-47800654-ATC-A. GRCh37 (hg19) VCF-style: chr2-48027793-ATC-A.
Other names: c.2677_2678del (NM_000179.2); c.2287_2288del, p.Leu763fs (NM_001281492.2); c.1771_1772del, p.Leu591fs (NM_001281493.2, NM_001281494.2); short protein forms L591fs, L893fs, L763fs.
Identifiers: ClinVar variation 821660 (VCV000821660.38), dbSNP rs1572728112, ClinGen allele CA913090565.